The following is an entry in ClinVar:

ClinVar aggregate classification (germline): Uncertain significance (1 of 4 stars; one submission).

Conditions:
Dyskeratosis congenita. Identifiers: Orphanet 1775, MedGen C0265965, MONDO:0015780.

gnomAD v4.1: 1 of 1,613,846 alleles (0.000062%); highest among the groups gnomAD compares: East Asian, 0.0022%; no homozygotes.

Submission:

Labcorp Genetics (formerly Invitae), Labcorp
Classification: Uncertain significance for Dyskeratosis congenita. Last evaluated: 2025-08-30. Review status: criteria provided, single submitter. Criteria: Invitae Variant Classification Sherloc (09022015). Collection method: clinical testing. Allele origin: germline.
Comment: This sequence change replaces leucine, which is neutral and non-polar, with isoleucine, which is neutral and non-polar, at codon 1015 of the CTC1 protein (p.Leu1015Ile). This variant is not present in population databases (gnomAD no frequency). This variant has not been reported in the literature in individuals affected with CTC1-related conditions. Invitae Evidence Modeling of protein sequence and biophysical properties (such as structural, functional, and spatial information, amino acid conservation, physicochemical variation, residue mobility, and thermodynamic stability) indicates that this missense variant is expected to disrupt CTC1 protein function with a positive predictive value of 80%. In summary, the available evidence is currently insufficient to determine the role of this variant in disease. Therefore, it has been classified as a Variant of Uncertain Significance.

NM_025099.6(CTC1):c.3043C>A (p.Leu1015Ile)

Gene: CTC1 (CST telomere replication complex component 1; minus strand). Cytogenetic location: 17p13.1.
Variant type: single nucleotide variant.
Coding change: c.3043C>A on transcript NM_025099.6 (MANE Select); coding-DNA position 3043, C replaced by A.
Protein change: p.Leu1015Ile; replaces leucine 1015 with isoleucine.
Molecular consequence: missense variant. On other transcripts: non-coding transcript variant (1).
Genome position (GRCh38, 1-based): chr17:8,229,415, G>T on the plus strand (C>A on the coding strand, the complement: CTC1 is on the minus strand). VCF-style: chr17-8229415-G-T. GRCh37 (hg19) VCF-style: chr17-8132733-G-T.
Other names: c.3043C>A, p.Leu1015Ile (NM_001411067.1); short protein forms L1015I.
Identifiers: ClinVar variation 4699120 (VCV004699120.1).
Genomic context (GRCh38, chr17:8,229,415, plus strand): 5'-AGACAGAGACGATATGGCAAGAGGCAGTGGCCTGGAATGGGGACTGACCACCCTGCAGAA[G>T]TTCAGCCAGGTAGATGTGGGGCAGGGGAATGCTAAATAAATACAGGGAGACAGAGACAGG-3'
Protein context (NP_079375.3, residues 1005-1025): IPLPHIYLAE[Leu1015Ile]LQGGQSPFQA